The following is an entry in ClinVar:

NM_153676.4(USH1C):c.1705_1711del (p.Pro569fs)

Gene: USH1C (USH1 protein network component harmonin; minus strand). Cytogenetic location: 11p15.1.
Variant type: Microsatellite.
Coding change: c.1705_1711del on transcript NM_153676.4 (MANE Select); coding-DNA positions 1705 to 1711, 7 bases deleted (CCCTCCA; older notation c.1705_1711delCCCTCCA).
Protein change: p.Pro569fs; shifts the reading frame from proline 569.
Molecular consequence: frameshift variant. On other transcripts: intron variant (11).
Genome position (GRCh38, 1-based): chr11:17,509,658-17,509,664, TGGAGGG deleted on the plus strand (CCCTCCA on the coding strand, the reverse complement: USH1C is on the minus strand); deleting any 7 consecutive bases within chr11:17,509,658-17,509,674 gives the same sequence; the c. name uses the placement nearest the transcript's 3' end. VCF-style (leftmost placement, unchanged base first): chr11-17509657-TTGGAGGG-T. GRCh37 (hg19) VCF-style: chr11-17531204-TTGGAGGG-T.
Other names: c.1228-7684_1228-7678del (NM_001297764.2); c.1210+11206_1210+11212del (NM_001440687.1); c.1413+2238_1413+2244del (NM_001440681.1); c.1285-7684_1285-7678del (NM_001440685.1, NM_005709.4, NM_001440682.1); c.1285-4967_1285-4961del (NM_001440683.1); c.1437+2238_1437+2244del (NM_001440680.1); c.1261-7684_1261-7678del (NM_001440686.1); c.1318-7684_1318-7678del (NM_001440684.1); and 1 more; short protein forms P569fs.
Identifiers: ClinVar variation 5007831 (VCV005007831.2).

ClinVar aggregate classification (germline): Likely pathogenic (1 of 4 stars; one submission).

Conditions:
Autosomal recessive nonsyndromic hearing loss 18A. Also called: Deafness, autosomal recessive 18A; DEAFNESS, AUTOSOMAL RECESSIVE 18. Identifiers: Orphanet 90636, MedGen C1865870, MONDO:0011192, OMIM 602092.
Usher syndrome type 1C. Also called: USHER SYNDROME, TYPE I, ACADIAN VARIETY. Identifiers: Orphanet 231169, Orphanet 886, MedGen C1848604, MONDO:0010171, OMIM 276904.

Submission:

Juno Genomics, Hangzhou Juno Genomics, Inc
Classification: Likely pathogenic for Usher syndrome type 1C; Autosomal recessive nonsyndromic hearing loss 18A. Review status: criteria provided, single submitter. Criteria: ACMG Guidelines, 2015. Collection method: clinical testing. Allele origin: germline.
Comment: Null variant in a gene where loss of function (LOF) is a known mechanism of disease.;Absent from controls (or at extremely low frequency if recessive) in Genome Aggregation Database.